The following is an entry in ClinVar:

ClinVar aggregate classification (germline): Conflicting classifications of pathogenicity. Review status: criteria provided, conflicting classifications (1 of 4 stars). 7 submissions from 7 submitters: Uncertain significance (1); Benign (2); Likely benign (3). 1 of the submissions does not count toward it. Last evaluated 2026-08-01.

Conditions:
POLR3A-related disorder. Also called: POLR3A-related disorders; POLR3A-related condition. Identifiers: MedGen CN378587, MONDO:0700276.
Leukodystrophy, hypomyelinating, 7, with or without oligodontia and/or hypogonadotropic hypogonadism (HLD7). Also called: LEUKODYSTROPHY, HYPOMYELINATING, 7, WITH OLIGODONTIA; LEUKODYSTROPHY, HYPOMYELINATING, 7, WITH OLIGODONTIA AND HYPOGONADOTROPIC HYPOGONADISM; LEUKODYSTROPHY, HYPOMYELINATING, 7, WITHOUT OLIGODONTIA OR HYPOGONADOTROPIC HYPOGONADISM; LEUKOENCEPHALOPATHY, HYPOMYELINATING, WITH ATAXIA AND DELAYED DENTITION; ATAXIA, DELAYED DENTITION, AND HYPOMYELINATION; Ataxia, Delayed Dentition and Hypomyelination (ADDH). Identifiers: Orphanet 137639, Orphanet 447893, Orphanet 447896, Orphanet 77295, Orphanet 88637, MedGen CN034185, MONDO:0011897, OMIM 607694.

Allele frequency attached by ClinVar (database versions not stated): gnomAD 0.00287 and 0.00285; TOPMed 0.00316; ESP Exome Variant Server 0.00400; gnomAD exomes 0.00446 and 0.00255; 1000 Genomes Project 30x 0.00172; 1000 Genomes Project 0.00180; ExAC 0.00258.
gnomAD v4.1: 6,911 of 1,614,146 alleles (0.43%); highest among the groups gnomAD compares: Non-Finnish European, 0.54%; 25 homozygotes.

Submissions (7):

CeGaT Center for Human Genetics Tuebingen
Classification: Likely benign. Last evaluated: 2026-08-01. Review status: criteria provided, single submitter. Criteria: CeGaT Center For Human Genetics Tuebingen Variant Classification Criteria Version 2. Collection method: clinical testing. Allele origin: germline. Affected: yes. Observed: 28 variant alleles.
Comment: POLR3A: BP4, BS2

Labcorp Genetics (formerly Invitae), Labcorp
Classification: Benign. Last evaluated: 2026-02-02. Review status: criteria provided, single submitter. Criteria: Invitae Variant Classification Sherloc (09022015). Collection method: clinical testing. Allele origin: germline.

Blueprint Genetics
Classification: Likely benign. Last evaluated: 2024-11-23. Review status: criteria provided, single submitter. Criteria: ACMG Guidelines, 2015. Collection method: clinical testing. Allele origin: germline.

Mayo Clinic Laboratories, Mayo Clinic
Classification: Benign. Last evaluated: 2023-10-26. Review status: criteria provided, single submitter. Criteria: ACMG Guidelines, 2015. Collection method: clinical testing. Allele origin: germline. Observed: 3 variant alleles.
Comment: BS1, BS2, BP4, BP7

Illumina Laboratory Services, Illumina
Classification: Likely benign for Leukodystrophy, hypomyelinating, 7, with or without oligodontia and/or hypogonadotropic hypogonadism. Last evaluated: 2018-01-13. Review status: criteria provided, single submitter. Criteria: ICSL Variant Classification Criteria 13 December 2019. Collection method: clinical testing. Allele origin: germline.
Comment: This variant was observed in the ICSL laboratory as part of a predisposition screen in an ostensibly healthy population. It had not been previously curated by ICSL or reported in the Human Gene Mutation Database (HGMD: prior to June 1st, 2018), and was therefore a candidate for classification through an automated scoring system. Utilizing variant allele frequency, disease prevalence and penetrance estimates, and inheritance mode, an automated score was calculated to assess if this variant is too frequent to cause the disease. Based on the score and internal cut-off values, a variant classified as likely benign is not then subjected to further curation. The score for this variant resulted in a classification of likely benign for this disease.

Genetic Services Laboratory, University of Chicago
Classification: Uncertain significance. Last evaluated: 2014-06-27. Review status: criteria provided, single submitter. Criteria: ACMG Guidelines, 2015. Collection method: clinical testing. Allele origin: germline.

PreventionGenetics, part of Exact Sciences
Classification: Likely benign for POLR3A-related condition. Last evaluated: 2019-03-15. Review status: no assertion criteria provided. Collection method: clinical testing. Allele origin: germline. Not counted in ClinVar's aggregate classification.
Comment: This variant is classified as likely benign based on ACMG/AMP sequence variant interpretation guidelines (Richards et al. 2015 PMID: 25741868, with internal and published modifications).

NM_007055.4(POLR3A):c.927C>T (p.Asp309=)

Gene: POLR3A (RNA polymerase III subunit A; minus strand). Cytogenetic location: 10q22.3.
Variant type: single nucleotide variant.
Coding change: c.927C>T on transcript NM_007055.4 (MANE Select); coding-DNA position 927, C replaced by T.
Protein change: p.Asp309=; no amino-acid change (aspartic acid 309 retained).
Molecular consequence: synonymous variant.
Genome position (GRCh38, 1-based): chr10:78,021,981, G>A on the plus strand (C>T on the coding strand, the complement: POLR3A is on the minus strand). VCF-style: chr10-78021981-G-A. GRCh37 (hg19) VCF-style: chr10-79781739-G-A.
Other names: p.Asp309=.
Identifiers: ClinVar variation 211931 (VCV000211931.56), dbSNP rs41274610, ClinGen allele CA206504.